The following is an entry in ClinVar:

ClinVar aggregate classification (germline): Uncertain significance (1 of 4 stars; one submission).

Conditions:
Developmental and epileptic encephalopathy, 9 (DEE9). Also called: Early infantile epileptic encephalopathy 9; EPILEPSY, FEMALE-RESTRICTED, WITH MENTAL RETARDATION; JUBERG-HELLMAN SYNDROME; PCDH19-Related X-Linked Female-Limited Epilepsy with Mental Retardation. Identifiers: Orphanet 101039, Orphanet 2076, MedGen C1848137, MONDO:0010246, OMIM 300088. Disease mechanism: loss of function.

Submission:

Labcorp Genetics (formerly Invitae), Labcorp
Classification: Uncertain significance for Developmental and epileptic encephalopathy, 9. Last evaluated: 2016-10-06. Review status: criteria provided, single submitter. Criteria: Invitae Variant Classification Sherloc (09022015). Collection method: clinical testing. Allele origin: germline.
Comment: This sequence change replaces alanine with valine at codon 1004 of the PCDH19 protein (p.Ala1004Val). The alanine residue is moderately conserved and there is a small physicochemical difference between alanine and valine. This variant is not present in population databases (ExAC no frequency) and has not been reported in the literature in individuals with a PCDH19-related disease. Algorithms developed to predict the effect of missense changes on protein structure and function output the following: (SIFT: "Tolerated"; PolyPhen-2: "Benign"; Align-GVGD: "Class C0"). The valine amino acid residue is found in multiple mammalian species, suggesting that this missense change does not adversely affect protein function. These predictions have not been confirmed by published functional studies. Algorithms developed to predict the effect of sequence changes on RNA splicing suggest that this variant may alter RNA splicing, but this prediction has not been confirmed by published transcriptional studies. In summary, this variant is a novel missense change with uncertain impact on mRNA splicing and protein function. It has been classified as a Variant of Uncertain Significance.

NM_001184880.2(PCDH19):c.3011C>T (p.Ala1004Val)

Gene: PCDH19 (protocadherin 19; minus strand). Cytogenetic location: Xq22.1.
Variant type: single nucleotide variant.
Coding change: c.3011C>T on transcript NM_001184880.2 (MANE Select); coding-DNA position 3011, C replaced by T.
Protein change: p.Ala1004Val; replaces alanine 1004 with valine.
Molecular consequence: missense variant.
Genome position (GRCh38, 1-based): chrX:100,296,713, G>A on the plus strand (C>T on the coding strand, the complement: PCDH19 is on the minus strand). VCF-style: chrX-100296713-G-A. GRCh37 (hg19) VCF-style: chrX-99551711-G-A.
Other names: c.2870C>T, p.Ala957Val (NM_001105243.2); c.2867C>T, p.Ala956Val (NM_020766.3); short protein forms A1004V, A957V, A956V.
Identifiers: ClinVar variation 408906 (VCV000408906.1), dbSNP rs1060502178, ClinGen allele CA16616394.